The following is an entry in ClinVar:

NM_001267550.2(TTN):c.32703_33665-50del

Gene: TTN (titin; minus strand). Cytogenetic location: 2q31.2.
Variant type: Deletion.
Coding change: c.32703_33665-50del on transcript NM_001267550.2 (MANE Select); coding-DNA position 32703 through 50 bases into the intron before coding-DNA position 33665, 4,884 bases deleted.
Molecular consequence: splice acceptor variant, splice donor variant. On other transcripts: intron variant (3).
Genome position (GRCh38, 1-based): chr2:178,679,466-178,684,349, 4,884 bases deleted. GRCh37 (hg19): chr2:179,544,195-179,549,078.
Other names: c.13283-42032_13283-37149del (NM_003319.4); c.13859-42032_13859-37149del (NM_133437.4); c.13658-42032_13658-37149del (NM_133432.3); c.28971_29933-50del (NM_133378.4); c.31752_32714-50del (NM_001256850.1).
Identifiers: ClinVar variation 842061 (VCV000842061.1), ClinGen allele CA916084179.

ClinVar aggregate classification (germline): Uncertain significance (1 of 4 stars; one submission).

Conditions:
Autosomal recessive limb-girdle muscular dystrophy type 2J (LGMDR10). Also called: Limb-girdle muscular dystrophy, type 2J; MUSCULAR DYSTROPHY, LIMB-GIRDLE, AUTOSOMAL RECESSIVE 10. Identifiers: Orphanet 140922, MedGen C1837342, MONDO:0012127, OMIM 608807.
Dilated cardiomyopathy 1G (CMD1G). Identifiers: Orphanet 154, MedGen C1858763, MONDO:0011400, OMIM 604145.

Submission:

Labcorp Genetics (formerly Invitae), Labcorp
Classification: Uncertain significance for Dilated cardiomyopathy 1G; Limb-girdle muscular dystrophy, type 2J. Last evaluated: 2020-01-07. Review status: criteria provided, single submitter. Criteria: Invitae Variant Classification Sherloc (09022015). Collection method: clinical testing. Allele origin: germline.
Comment: This variant results in the deletion of exons 133-141 and part of exon 132 (c.32703_33665-50del) of the TTN gene. It is expected to disrupt RNA splicing and likely results in an absent or disrupted protein product. This variant has not been reported in the literature in individuals with TTN-related conditions. This variant is located in the I band of TTN (PMID: 25589632). Variants in this region may be relevant for neuromuscular disorders, but have not been definitively shown to cause cardiomyopathy (PMID: 23975875). In summary, the available evidence is currently insufficient to determine the role of this variant in disease. Therefore, it has been classified as a Variant of Uncertain Significance.

Literature cited by the submitters: PubMed 23975875; PubMed 25589632.